The following is an entry in ClinVar:

ClinVar aggregate classification (germline): Uncertain significance (1 of 4 stars; one submission).

Submission:

Labcorp Genetics (formerly Invitae), Labcorp
Classification: Uncertain significance. Last evaluated: 2024-06-12. Review status: criteria provided, single submitter. Criteria: Invitae Variant Classification Sherloc (09022015). Collection method: clinical testing. Allele origin: germline.
Comment: This sequence change replaces serine, which is neutral and polar, with isoleucine, which is neutral and non-polar, at codon 165 of the A2ML1 protein (p.Ser165Ile). Information on the frequency of this variant in the gnomAD database is not available, as this variant may be reported differently in the database. This variant has not been reported in the literature in individuals affected with A2ML1-related conditions. An algorithm developed to predict the effect of missense changes on protein structure and function (PolyPhen-2) suggests that this variant is likely to be tolerated. In summary, the available evidence is currently insufficient to determine the role of this variant in disease. Therefore, it has been classified as a Variant of Uncertain Significance.

NM_144670.6(A2ML1):c.494_495delinsTT (p.Ser165Ile)

Gene: A2ML1 (alpha-2-macroglobulin like 1; plus strand). Cytogenetic location: 12p13.31.
Variant type: Indel.
Coding change: c.494_495delinsTT on transcript NM_144670.6 (MANE Select); coding-DNA positions 494 to 495, GC replaced by TT.
Protein change: p.Ser165Ile; replaces serine 165 with isoleucine.
Molecular consequence: missense variant.
Genome position (GRCh38, 1-based): chr12:8,835,517-8,835,518, GC replaced by TT. VCF-style: chr12-8835517-GC-TT. GRCh37 (hg19) VCF-style: chr12-8988113-GC-TT.
Other names: short protein forms S165I.
Identifiers: ClinVar variation 3667501 (VCV003667501.2).